The following is an entry in ClinVar:

ClinVar aggregate classification (germline): Uncertain significance (1 of 4 stars; one submission).

Conditions:
Amyotrophic lateral sclerosis type 21. Also called: MYOPATHY, DISTAL, 2; VOCAL CORD AND PHARYNGEAL DYSFUNCTION WITH DISTAL MYOPATHY. Identifiers: Orphanet 600, Orphanet 803, MedGen C3807521, MONDO:0011632, OMIM 606070.

Allele frequency attached by ClinVar (database versions not stated): ExAC 0.00001.

Submission:

Labcorp Genetics (formerly Invitae), Labcorp
Classification: Uncertain significance for Amyotrophic lateral sclerosis type 21. Last evaluated: 2022-07-26. Review status: criteria provided, single submitter. Criteria: Invitae Variant Classification Sherloc (09022015). Collection method: clinical testing. Allele origin: germline.
Comment: In summary, the available evidence is currently insufficient to determine the role of this variant in disease. Therefore, it has been classified as a Variant of Uncertain Significance. Algorithms developed to predict the effect of missense changes on protein structure and function (SIFT, PolyPhen-2, Align-GVGD) all suggest that this variant is likely to be tolerated. This variant has not been reported in the literature in individuals affected with MATR3-related conditions. This variant is present in population databases (rs754837689, gnomAD 0.003%). This sequence change replaces aspartic acid, which is acidic and polar, with glutamic acid, which is acidic and polar, at codon 452 of the MATR3 protein (p.Asp452Glu).

NM_018834.6(MATR3):c.1356T>G (p.Asp452Glu)

Gene: MATR3 (matrin 3; plus strand). Cytogenetic location: 5q31.2.
Variant type: single nucleotide variant.
Coding change: c.1356T>G on transcript NM_018834.6 (MANE Select); coding-DNA position 1356, T replaced by G.
Protein change: p.Asp452Glu; replaces aspartic acid 452 with glutamic acid.
Molecular consequence: missense variant.
Genome position (GRCh38, 1-based): chr5:139,318,955, T>G. VCF-style: chr5-139318955-T-G. GRCh37 (hg19) VCF-style: chr5-138654644-T-G.
Other names: c.342T>G, p.Asp114Glu (NM_001400466.1, NM_001400467.1, NM_001282278.2 and 5 more transcripts); c.1356T>G, p.Asp452Glu (NM_199189.3, NM_001194954.2, NM_001194955.2 and 16 more transcripts); c.492T>G, p.Asp164Glu (NM_001194956.2); c.495T>G, p.Asp165Glu (NM_001400459.1); c.456T>G, p.Asp152Glu (NM_001400461.1); short protein forms D114E, D152E, D164E, D165E, D452E.
Identifiers: ClinVar variation 1713828 (VCV001713828.6), dbSNP rs754837689, ClinGen allele CA3433131.